The following is an entry in ClinVar:

NM_006904.7(PRKDC):c.11779A>G (p.Asn3927Asp)

Gene: PRKDC (protein kinase, DNA-activated, catalytic subunit; minus strand). Cytogenetic location: 8q11.21.
Variant type: single nucleotide variant.
Coding change: c.11779A>G on transcript NM_006904.7 (MANE Select); coding-DNA position 11779, A replaced by G.
Protein change: p.Asn3927Asp; replaces asparagine 3927 with aspartic acid.
Molecular consequence: missense variant.
Genome position (GRCh38, 1-based): chr8:47,778,533, T>C on the plus strand (A>G on the coding strand, the complement: PRKDC is on the minus strand). VCF-style: chr8-47778533-T-C. GRCh37 (hg19) VCF-style: chr8-48691094-T-C.
Other names: c.11686A>G, p.Asn3896Asp (NM_001081640.2); short protein forms N3896D, N3927D.
Identifiers: ClinVar variation 3225724 (VCV003225724.1), dbSNP rs2551859889, ClinGen allele CA371128584.

ClinVar aggregate classification (germline): Uncertain significance (1 of 4 stars; one submission).

Submission:

Ambry Genetics
Classification: Uncertain significance. Last evaluated: 2023-11-22. Review status: criteria provided, single submitter. Criteria: Ambry Variant Classification Scheme 2023. Collection method: clinical testing. Allele origin: germline.
Comment: The p.N3927D variant (also known as c.11779A>G), located in coding exon 83 of the PRKDC gene, results from an A to G substitution at nucleotide position 11779. The asparagine at codon 3927 is replaced by aspartic acid, an amino acid with highly similar properties. This amino acid position is conserved. In addition, this alteration is predicted to be tolerated by in silico analysis. Since supporting evidence is limited at this time, the clinical significance of this alteration remains unclear.